The following is an entry in ClinVar:

NM_001170629.2(CHD8):c.2486+1G>T

Gene: CHD8 (chromodomain helicase DNA binding protein 8; minus strand). Cytogenetic location: 14q11.2.
Variant type: single nucleotide variant.
Coding change: c.2486+1G>T on transcript NM_001170629.2 (MANE Select); the canonical splice donor site of the intron after coding-DNA position 2486, G replaced by T.
Molecular consequence: splice donor variant.
Genome position (GRCh38, 1-based): chr14:21,408,703, C>A on the plus strand (G>T on the coding strand, the complement: CHD8 is on the minus strand). VCF-style: chr14-21408703-C-A. GRCh37 (hg19) VCF-style: chr14-21876862-C-A.
Other names: c.1649+1G>T (NM_020920.4).
Identifiers: ClinVar variation 2716556 (VCV002716556.3), dbSNP rs1888355872, ClinGen allele CA388876063.

ClinVar aggregate classification (germline): Likely pathogenic (1 of 4 stars; one submission).

Submission:

Labcorp Genetics (formerly Invitae), Labcorp
Classification: Likely pathogenic. Last evaluated: 2023-06-15. Review status: criteria provided, single submitter. Criteria: Invitae Variant Classification Sherloc (09022015). Collection method: clinical testing. Allele origin: germline.
Comment: This sequence change affects a donor splice site in intron 11 of the CHD8 gene. It is expected to disrupt RNA splicing. Variants that disrupt the donor or acceptor splice site typically lead to a loss of protein function (PMID: 16199547), and loss-of-function variants in CHD8 are known to be pathogenic (PMID: 24998929, 26789910). This variant is not present in population databases (gnomAD no frequency). This variant has not been reported in the literature in individuals affected with CHD8-related conditions. Algorithms developed to predict the effect of sequence changes on RNA splicing suggest that this variant may disrupt the consensus splice site. In summary, the currently available evidence indicates that the variant is pathogenic, but additional data are needed to prove that conclusively. Therefore, this variant has been classified as Likely Pathogenic.

Literature cited by the submitters: PubMed 16199547; PubMed 24998929; PubMed 26789910.